The following is an entry in ClinVar:

ClinVar aggregate classification (germline): Likely benign. Review status: criteria provided, multiple submitters, no conflicts (2 of 4 stars). 2 submissions from 2 submitters: Likely benign (2). Last evaluated 2025-03-15.

Conditions:
FLI1-related disorder. Also called: FLI1-related condition.

Allele frequency attached by ClinVar (database versions not stated): TOPMed 0.00002; gnomAD 0.00003; gnomAD exomes 0.00004; ExAC 0.00005; 1000 Genomes Project 30x 0.00016; 1000 Genomes Project 0.00040.
gnomAD v4.1: 60 of 1,613,792 alleles (0.0037%); highest among the groups gnomAD compares: East Asian, 0.022%; no homozygotes.

Submissions (3):

PreventionGenetics, part of Exact Sciences
Classification: Likely benign for FLI1-related condition. Last evaluated: 2025-03-15. Review status: criteria provided, single submitter. Criteria: ACMG Guidelines, 2015. Collection method: clinical testing. Allele origin: germline.
Comment: This variant is classified as likely benign based on ACMG/AMP sequence variant interpretation guidelines (Richards et al. 2015 PMID: 25741868, with internal and published modifications).

Labcorp Genetics (formerly Invitae), Labcorp
Classification: Likely benign. Last evaluated: 2024-09-06. Review status: criteria provided, single submitter. Criteria: Invitae Variant Classification Sherloc (09022015). Collection method: clinical testing. Allele origin: germline.

Dr. Peter K. Rogan Lab, Western University
No classification provided (evidence only). Condition: Cervical cancer. Review status: no classification provided. Collection method: in vitro. Allele origin: not applicable. Functional consequence: retained intron. Not counted in ClinVar's aggregate classification.

NM_002017.5(FLI1):c.285C>T (p.Gly95=)

Gene: FLI1 (Fli-1 proto-oncogene, ETS transcription factor; plus strand). Cytogenetic location: 11q24.3.
Variant type: single nucleotide variant.
Coding change: c.285C>T on transcript NM_002017.5 (MANE Select); coding-DNA position 285, C replaced by T.
Protein change: p.Gly95=; no amino-acid change (glycine 95 retained).
Molecular consequence: synonymous variant. On other transcripts: intron variant (1).
Genome position (GRCh38, 1-based): chr11:128,768,172, C>T. VCF-style: chr11-128768172-C-T. GRCh37 (hg19) VCF-style: chr11-128638067-C-T.
Other names: c.186C>T, p.Gly62= (NM_001167681.3); c.87C>T, p.Gly29= (NM_001271010.2); c.10+9846C>T (NM_001271012.2); c.285C>T (NM_002017.4).
Identifiers: ClinVar variation 2900107 (VCV002900107.5), dbSNP rs545501579, ClinGen allele CA6357026.